The following is an entry in ClinVar:

ClinVar aggregate classification (germline): Uncertain significance (1 of 4 stars; one submission).

Submission:

GeneDx
Classification: Uncertain significance. Last evaluated: 2026-02-19. Review status: criteria provided, single submitter. Criteria: GeneDx Variant Classification Process June 2021. Collection method: clinical testing. Allele origin: germline.
Comment: Not observed at significant frequency in large population cohorts (gnomAD); In silico analysis supports that this missense variant has a deleterious effect on protein structure/function; Has not been previously published as pathogenic or benign to our knowledge

NM_001134363.3(RBM20):c.842A>G (p.Asp281Gly)

Gene: RBM20 (RNA binding motif protein 20; plus strand). Cytogenetic location: 10q25.2.
Variant type: single nucleotide variant.
Coding change: c.842A>G on transcript NM_001134363.3 (MANE Select); coding-DNA position 842, A replaced by G.
Protein change: p.Asp281Gly; replaces aspartic acid 281 with glycine.
Molecular consequence: missense variant.
Genome position (GRCh38, 1-based): chr10:110,781,451, A>G. VCF-style: chr10-110781451-A-G. GRCh37 (hg19) VCF-style: chr10-112541209-A-G.
Other names: short protein forms D281G.
Identifiers: ClinVar variation 4976590 (VCV004976590.1).